The following is an entry in ClinVar:

ClinVar aggregate classification (germline): Uncertain significance. Review status: reviewed by expert panel (3 of 4 stars). 6 submissions from 6 submitters: Uncertain significance (1). 5 of the submissions do not count toward it. Last evaluated 2025-07-29.

Conditions:
Autosomal recessive limb-girdle muscular dystrophy. Identifiers: Orphanet 102015, MedGen C2931907, MONDO:0015152.
Neuromuscular disease caused by qualitative or quantitative defects of dysferlin. Also called: Dysferlinopathy; Qualitative or quantitative defects of dysferlin. Identifiers: Orphanet 207073, MedGen C2931687, MONDO:0016145.
Autosomal recessive limb-girdle muscular dystrophy type 2B (LGMDR2). Also called: Limb-girdle muscular dystrophy, type 2B; MUSCULAR DYSTROPHY, LIMB-GIRDLE, AUTOSOMAL RECESSIVE 2; Limb-Girdle Muscular Dystrophy Type 2B (LGMD2B); MUSCULAR DYSTROPHY, LIMB-GIRDLE, TYPE 3. Identifiers: Orphanet 268, MedGen C1850889, MONDO:0009676, OMIM 253601.

Allele frequency attached by ClinVar (database versions not stated): gnomAD exomes 0.00001; TOPMed 0.00001.
gnomAD v4.1: 20 of 1,614,116 alleles (0.0012%); highest among the groups gnomAD compares: Non-Finnish European, 0.0017%; no homozygotes.

Submissions (6):

ClinGen Limb Girdle Muscular Dystrophy Variant Curation Expert Panel, ClinGen
Classification: Uncertain significance for Autosomal recessive limb-girdle muscular dystrophy. Last evaluated: 2025-07-29. Review status: reviewed by expert panel. Criteria: ClinGen LGMD VCEP ACMG Specifications DYSF V1.0.0. Collection method: curation. Allele origin: germline. Inheritance: Autosomal recessive inheritance.
Comment: The NM_003494.4: c.17T>A variant in DYSF is a missense variant predicted to cause substitution of isoleucine by asparagine at amino acid 6, p.(Ile6Asn). This variant has been identified in unknown phase with a pathogenic DYSF variant (NM_003494.4: c.4794G>T p.(Lys1598Asn), 0.5 pts) in an individual with progressive muscle weakness (PMID: 36983702; PM3_Supporting, PP4). Dysferlin expression in blood monocytes in this individual was considered outside the disease range. The filtering allele frequency for this variant in gnomAD v4.1.0 exomes is 0.000026135 (the upper threshold of the 95% CI of 20/1112000 European (non-Finnish) chromosomes), which is lower than the ClinGen LGMD VCEP threshold (<0.0001) for PM2_Supporting and therefore meets this criterion (PM2_Supporting). The computational predictor REVEL gives a score of 0.489, which is above the VCEP threshold for BP4 but below the threshold for PP3 (neither code met). The variant is not located in a splice region and has a SpliceAI score of 0. In summary, due to the limited evidence available, this variant is classified as a variant of uncertain significance for autosomal recessive limb girdle muscular dystrophy based on the ACMG/AMP criteria applied, as specified by the ClinGen LGMD VCEP (LGMD VCEP specifications version 1.0.0; 07/29/2025): PM3_Supporting, PP4, PM2_Supporting.

GeneDx
Classification: Uncertain significance. Last evaluated: 2025-02-10. Review status: criteria provided, single submitter. Criteria: GeneDx Variant Classification Process June 2021. Collection method: clinical testing. Allele origin: germline. Affected: yes. Not counted in ClinVar's aggregate classification.
Comment: Identified with a second DYSF variant, phase unknown, in an individual with progressive muscle weakness and loss of ambulation; however dysferlin levels on muscle biopsy were outside of the disease-associated range (PMID: 36983702); Not observed at significant frequency in large population cohorts (gnomAD); In silico analysis supports that this missense variant has a deleterious effect on protein structure/function; This variant is associated with the following publications: (PMID: 24438169, 36983702)

Labcorp Genetics (formerly Invitae), Labcorp
Classification: Uncertain significance for Neuromuscular disease caused by qualitative or quantitative defects of dysferlin. Last evaluated: 2022-07-18. Review status: criteria provided, single submitter. Criteria: Invitae Variant Classification Sherloc (09022015). Collection method: clinical testing. Allele origin: germline. Not counted in ClinVar's aggregate classification.
Comment: This sequence change replaces isoleucine, which is neutral and non-polar, with asparagine, which is neutral and polar, at codon 6 of the DYSF protein (p.Ile6Asn). This variant is not present in population databases (gnomAD no frequency). This variant has not been reported in the literature in individuals affected with DYSF-related conditions. ClinVar contains an entry for this variant (Variation ID: 502095). Advanced modeling of protein sequence and biophysical properties (such as structural, functional, and spatial information, amino acid conservation, physicochemical variation, residue mobility, and thermodynamic stability) performed at Invitae indicates that this missense variant is not expected to disrupt DYSF protein function. In summary, the available evidence is currently insufficient to determine the role of this variant in disease. Therefore, it has been classified as a Variant of Uncertain Significance.

Revvity Omics, Revvity
Classification: Uncertain significance. Last evaluated: 2019-06-20. Review status: criteria provided, single submitter. Criteria: ACMG Guidelines, 2015. Collection method: clinical testing. Allele origin: germline. Not counted in ClinVar's aggregate classification.

Eurofins Ntd Llc (ga)
Classification: Uncertain significance. Last evaluated: 2017-05-24. Review status: criteria provided, single submitter. Criteria: EGL Classification Definitions 2015. Collection method: clinical testing. Allele origin: germline. Observed: 1 variant allele, 1 heterozygote. Not counted in ClinVar's aggregate classification.

Natera, Inc.
Classification: Uncertain significance for Limb-girdle muscular dystrophy type 2B. Last evaluated: 2020-09-16. Review status: no assertion criteria provided. Collection method: clinical testing. Allele origin: germline. Not counted in ClinVar's aggregate classification.

NM_003494.4(DYSF):c.17T>A (p.Ile6Asn)

Gene: DYSF (dysferlin; plus strand). Cytogenetic location: 2p13.2.
Variant type: single nucleotide variant.
Coding change: c.17T>A on transcript NM_003494.4 (MANE Plus Clinical); coding-DNA position 17, T replaced by A.
Protein change: p.Ile6Asn; replaces isoleucine 6 with asparagine.
Molecular consequence: missense variant.
Genome position (GRCh38, 1-based): chr2:71,454,015, T>A. VCF-style: chr2-71454015-T-A. GRCh37 (hg19) VCF-style: chr2-71681145-T-A.
Other names: NM_003494.4(DYSF):c.17T>A; p.Ile6Asn; c.17T>A, p.Ile6Asn (NM_001130976.2, NM_001130977.2, NM_001130978.2 and 3 more transcripts); short protein forms I6N.
Identifiers: ClinVar variation 502095 (VCV000502095.18), dbSNP rs1354334539, ClinGen allele CA347205929.